The following is an entry in ClinVar:

ClinVar aggregate classification (germline): Conflicting classifications of pathogenicity. Review status: criteria provided, conflicting classifications (1 of 4 stars). 4 submissions from 3 submitters: Uncertain significance (1); Likely benign (3). Last evaluated 2025-02-19.

Conditions:
Charcot-Marie-Tooth disease. Also called: Charcot-Marie-Tooth Neuropathy; Charcot-Marie-Tooth Hereditary Neuropathy. Identifiers: Orphanet 166, MedGen C0007959, MONDO:0015626.
Charcot-Marie-Tooth disease type 4. Also called: Charcot-Marie-Tooth disease, type IV; Charcot-Marie-Tooth, Type 4. Identifiers: Orphanet 64749, MedGen C4082197, MONDO:0018995.
Charcot-Marie-Tooth disease type 4C (CMT4C). Also called: CMT 4C; Charcot-Marie-Tooth Neuropathy Type 4C (CMT4C); SH3TC2-Related Hereditary Motor and Sensory Neuropathy; CHARCOT-MARIE-TOOTH DISEASE, DEMYELINATING, AUTOSOMAL RECESSIVE, TYPE 4C; CHARCOT-MARIE-TOOTH DISEASE, DEMYELINATING, TYPE 4C. Identifiers: Orphanet 99949, MedGen C1866636, MONDO:0011113, OMIM 601596.
Susceptibility to mononeuropathy of the median nerve, mild. Also called: CARPAL TUNNEL SYNDROME, SUSCEPTIBILITY TO. Identifiers: MedGen C3150596, MONDO:0013237, OMIM 613353.

Allele frequency attached by ClinVar (database versions not stated): gnomAD exomes 0.00002 and 0.00008; gnomAD 0.00003; ExAC 0.00010; TOPMed 0.00011; 1000 Genomes Project 30x 0.00016; 1000 Genomes Project 0.00020.
gnomAD v4.1: 30 of 1,614,160 alleles (0.0019%); highest among the groups gnomAD compares: East Asian, 0.056%; no homozygotes.

Submissions (4):

Labcorp Genetics (formerly Invitae), Labcorp
Classification: Likely benign for Charcot-Marie-Tooth disease type 4. Last evaluated: 2025-02-19. Review status: criteria provided, single submitter. Criteria: Invitae Variant Classification Sherloc (09022015). Collection method: clinical testing. Allele origin: germline.

Illumina Laboratory Services, Illumina
Classification: Uncertain significance for Charcot-Marie-Tooth disease type 4C. Last evaluated: 2018-01-12. Review status: criteria provided, single submitter. Criteria: ICSL Variant Classification Criteria 13 December 2019. Collection method: clinical testing. Allele origin: germline.

Illumina Laboratory Services, Illumina
Classification: Likely benign for Susceptibility to mononeuropathy of the median nerve, mild. Last evaluated: 2018-01-12. Review status: criteria provided, single submitter. Criteria: ICSL Variant Classification Criteria 13 December 2019. Collection method: clinical testing. Allele origin: germline.
Comment: This variant was observed in the ICSL laboratory as part of a predisposition screen in an ostensibly healthy population. It had not been previously curated by ICSL or reported in the Human Gene Mutation Database (HGMD: prior to June 1st, 2018), and was therefore a candidate for classification through an automated scoring system. Utilizing variant allele frequency, disease prevalence and penetrance estimates, and inheritance mode, an automated score was calculated to assess if this variant is too frequent to cause the disease. Based on the score and internal cut-off values, a variant classified as likely benign is not then subjected to further curation. The score for this variant resulted in a classification of likely benign for this disease.

Molecular Genetics Laboratory, London Health Sciences Centre
Classification: Likely benign for Charcot-Marie-Tooth disease. Review status: criteria provided, single submitter. Criteria: ACMG Guidelines, 2015. Collection method: clinical testing. Allele origin: germline. Affected: yes.

NM_024577.4(SH3TC2):c.660G>C (p.Val220=)

Gene: SH3TC2 (SH3 domain and tetratricopeptide repeats 2; minus strand). Cytogenetic location: 5q32.
Variant type: single nucleotide variant.
Coding change: c.660G>C on transcript NM_024577.4 (MANE Select); coding-DNA position 660, G replaced by C.
Protein change: p.Val220=; no amino-acid change (valine 220 retained).
Molecular consequence: synonymous variant.
Genome position (GRCh38, 1-based): chr5:149,041,487, C>G on the plus strand (G>C on the coding strand, the complement: SH3TC2 is on the minus strand). VCF-style: chr5-149041487-C-G. GRCh37 (hg19) VCF-style: chr5-148421050-C-G.
Identifiers: ClinVar variation 697396 (VCV000697396.15), dbSNP rs202052720, ClinGen allele CA3499441.